The following is an entry in ClinVar:

NM_001282874.2(SMARCA1):c.2615A>G (p.Asn872Ser)

Gene: SMARCA1 (SNF2 related chromatin remodeling ATPase 1; minus strand). Cytogenetic location: Xq25.
Variant type: single nucleotide variant.
Coding change: c.2615A>G on transcript NM_001282874.2 (MANE Select); coding-DNA position 2615, A replaced by G.
Protein change: p.Asn872Ser; replaces asparagine 872 with serine.
Molecular consequence: missense variant.
Genome position (GRCh38, 1-based): chrX:129,468,856, T>C on the plus strand (A>G on the coding strand, the complement: SMARCA1 is on the minus strand). VCF-style: chrX-129468856-T-C. GRCh37 (hg19) VCF-style: chrX-128602833-T-C.
Other names: c.2579A>G, p.Asn860Ser (NM_001282875.2, NM_001378262.1, NM_001378263.1 and 1 more transcripts); c.2615A>G, p.Asn872Ser (NM_001378261.1, NM_003069.5); short protein forms N860S, N872S.
Identifiers: ClinVar variation 4685408 (VCV004685408.1).

ClinVar aggregate classification (germline): Uncertain significance (1 of 4 stars; one submission).

Submission:

GeneDx
Classification: Uncertain significance. Last evaluated: 2025-07-07. Review status: criteria provided, single submitter. Criteria: GeneDx Variant Classification Process June 2021. Collection method: clinical testing. Allele origin: germline. Affected: yes.
Comment: Not observed at significant frequency in large population cohorts (gnomAD); In silico analysis suggests that this missense variant does not alter protein structure/function; Has not been previously published as pathogenic or benign to our knowledge